The following is an entry in ClinVar:

NM_001999.4(FBN2):c.7144C>G (p.Arg2382Gly)

Gene: FBN2 (fibrillin 2; minus strand). Cytogenetic location: 5q23.3.
Variant type: single nucleotide variant.
Coding change: c.7144C>G on transcript NM_001999.4 (MANE Select); coding-DNA position 7144, C replaced by G.
Protein change: p.Arg2382Gly; replaces arginine 2382 with glycine.
Molecular consequence: missense variant.
Genome position (GRCh38, 1-based): chr5:128,278,836, G>C on the plus strand (C>G on the coding strand, the complement: FBN2 is on the minus strand). VCF-style: chr5-128278836-G-C. GRCh37 (hg19) VCF-style: chr5-127614528-G-C.
Other names: short protein forms R2382G.
Identifiers: ClinVar variation 4779639 (VCV004779639.1).

ClinVar aggregate classification (germline): Uncertain significance (1 of 4 stars; one submission).

Conditions:
Congenital contractural arachnodactyly (CCA). Also called: BEALS SYNDROME; Arthrogryposis, distal, type 9; Beals-Hecht syndrome. Identifiers: Orphanet 115, MedGen C0220668, MONDO:0007363, OMIM 121050.

Submission:

Labcorp Genetics (formerly Invitae), Labcorp
Classification: Uncertain significance for Congenital contractural arachnodactyly. Last evaluated: 2026-01-27. Review status: criteria provided, single submitter. Criteria: Invitae Variant Classification Sherloc (09022015). Collection method: clinical testing. Allele origin: germline.
Comment: This sequence change replaces arginine, which is basic and polar, with glycine, which is neutral and non-polar, at codon 2382 of the FBN2 protein (p.Arg2382Gly). This variant is not present in population databases (gnomAD no frequency). This missense change has been observed in individual(s) with clinical features of FBN2-related conditions (internal data). Invitae Evidence Modeling of protein sequence and biophysical properties (such as structural, functional, and spatial information, amino acid conservation, physicochemical variation, residue mobility, and thermodynamic stability) indicates that this missense variant is expected to disrupt FBN2 protein function with a positive predictive value of 80%. In summary, the available evidence is currently insufficient to determine the role of this variant in disease. Therefore, it has been classified as a Variant of Uncertain Significance.